The following is an entry in ClinVar:

ClinVar aggregate classification (germline): Pathogenic. Review status: criteria provided, single submitter (1 of 4 stars). 3 submissions from 3 submitters: Pathogenic (1). 2 of the submissions do not count toward it. Last evaluated 2023-03-27.

Conditions:
Spastic paraplegia. Identifiers: MedGen C0037772, HP:0001258.
Hereditary spastic paraplegia 15 (SPG15). Also called: KJELLIN SYNDROME; SPASTIC PARAPLEGIA AND RETINAL DEGENERATION; SPASTIC PARAPLEGIA 15, AUTOSOMAL RECESSIVE. Identifiers: Orphanet 100996, MedGen C1849128, MONDO:0010044, OMIM 270700.

Allele frequency attached by ClinVar (database versions not stated): gnomAD 0.00001; gnomAD exomes 0.00001; TOPMed 0.00001.
gnomAD v4.1: 9 of 1,613,996 alleles (0.00056%); highest among the groups gnomAD compares: African/African-American, 0.0013%; no homozygotes.

Submissions (3):

Labcorp Genetics (formerly Invitae), Labcorp
Classification: Pathogenic for Spastic paraplegia. Last evaluated: 2023-03-27. Review status: criteria provided, single submitter. Criteria: Invitae Variant Classification Sherloc (09022015). Collection method: clinical testing. Allele origin: germline.
Comment: For these reasons, this variant has been classified as Pathogenic. This sequence change creates a premature translational stop signal (p.Arg728*) in the ZFYVE26 gene. It is expected to result in an absent or disrupted protein product. Loss-of-function variants in ZFYVE26 are known to be pathogenic (PMID: 18394578, 19805727). This variant is not present in population databases (gnomAD no frequency). This premature translational stop signal has been observed in individual(s) with hereditary spastic paraplegia with thin corpus callosum (PMID: 19805727). ClinVar contains an entry for this variant (Variation ID: 553395).

Solve-RD Consortium
Classification: Likely pathogenic for Hereditary spastic paraplegia 15. Last evaluated: 2022-06-01. Review status: no assertion criteria provided. Collection method: provider interpretation. Allele origin: inherited. Affected: yes. Not counted in ClinVar's aggregate classification.
Comment: Variant confirmed as disease-causing by referring clinical team

Variant identified during reanalysis of unsolved cases by the Solve-RD project. The Solve-RD project has received funding from the European Union’s Horizon 2020 research and innovation programme under grant agreement No 779257.

Counsyl
Classification: Likely pathogenic for Hereditary spastic paraplegia 15. Last evaluated: 2017-08-18. Review status: no assertion criteria provided. Collection method: clinical testing. Allele origin: unknown. Not counted in ClinVar's aggregate classification.

Literature cited by the submitters: PubMed 18394578 (cited by Labcorp Genetics (formerly Invitae), Labcorp); PubMed 19805727 (cited by Labcorp Genetics (formerly Invitae), Labcorp and Counsyl); PubMed 39825153 (cited by Solve-RD Consortium); PubMed 25525159 (cited by Counsyl).

NM_015346.4(ZFYVE26):c.2182C>T (p.Arg728Ter)

Gene: ZFYVE26 (zinc finger FYVE-type containing 26; minus strand). Cytogenetic location: 14q24.1.
Variant type: single nucleotide variant.
Coding change: c.2182C>T on transcript NM_015346.4 (MANE Select); coding-DNA position 2182, C replaced by T.
Protein change: p.Arg728Ter; replaces arginine 728 with a stop codon.
Molecular consequence: nonsense.
Genome position (GRCh38, 1-based): chr14:67,798,080, G>A on the plus strand (C>T on the coding strand, the complement: ZFYVE26 is on the minus strand). VCF-style: chr14-67798080-G-A. GRCh37 (hg19) VCF-style: chr14-68264797-G-A.
Other names: short protein forms R728*.
Identifiers: ClinVar variation 553395 (VCV000553395.7), dbSNP rs981804211, ClinGen allele CA390174996.